The following is an entry in ClinVar:

ClinVar aggregate classification (germline): Uncertain significance (1 of 4 stars; one submission).

Allele frequency attached by ClinVar (database versions not stated): gnomAD exomes below 0.00001 and 0.00001; TOPMed below 0.00001; gnomAD 0.00001.
gnomAD v4.1: 2 of 1,607,344 alleles (0.00012%); highest among the groups gnomAD compares: Admixed American, 0.0033%; no homozygotes.

Submission:

Labcorp Genetics (formerly Invitae), Labcorp
Classification: Uncertain significance. Last evaluated: 2022-08-22. Review status: criteria provided, single submitter. Criteria: Invitae Variant Classification Sherloc (09022015). Collection method: clinical testing. Allele origin: germline.
Comment: Experimental studies and prediction algorithms are not available or were not evaluated, and the functional significance of this variant is currently unknown. In summary, the available evidence is currently insufficient to determine the role of this variant in disease. Therefore, it has been classified as a Variant of Uncertain Significance. ClinVar contains an entry for this variant (Variation ID: 1364005). This variant has not been reported in the literature in individuals affected with COL18A1-related conditions. The frequency data for this variant in the population databases is considered unreliable, as metrics indicate poor data quality at this position in the gnomAD database. This sequence change replaces alanine with serine at codon 206 of the COL18A1 protein (p.Ala206Ser). There is a moderate physicochemical difference between alanine and serine.

NM_001379500.1(COL18A1):c.616G>T (p.Ala206Ser)

Gene: COL18A1 (collagen type XVIII alpha 1 chain; plus strand). Cytogenetic location: 21q22.3.
Variant type: single nucleotide variant.
Coding change: c.616G>T on transcript NM_001379500.1 (MANE Select); coding-DNA position 616, G replaced by T.
Protein change: p.Ala206Ser; replaces alanine 206 with serine.
Molecular consequence: missense variant.
Genome position (GRCh38, 1-based): chr21:45,468,751, G>T. VCF-style: chr21-45468751-G-T. GRCh37 (hg19) VCF-style: chr21-46888665-G-T.
Other names: c.1156G>T, p.Ala386Ser (NM_030582.4); c.1861G>T, p.Ala621Ser (NM_130444.3); short protein forms A206S, A386S, A621S.
Identifiers: ClinVar variation 1364005 (VCV001364005.6), dbSNP rs1158092133, ClinGen allele CA410512402.